The following is an entry in ClinVar:

ClinVar aggregate classification (germline): Likely benign (1 of 4 stars; one submission).

Conditions:
ALG9 congenital disorder of glycosylation (CDG1L). Also called: CDG Il; CONGENITAL DISORDER OF GLYCOSYLATION, TYPE Il; ALG9-CDG. Identifiers: Orphanet 79328, MedGen C2931006, MONDO:0012117, OMIM 608776.

Allele frequency attached by ClinVar (database versions not stated): gnomAD 0.01700 and 0.01795; TOPMed 0.01911; 1000 Genomes Project 0.02097.

Submission:

Illumina Laboratory Services, Illumina
Classification: Likely benign for ALG9 congenital disorder of glycosylation. Last evaluated: 2017-04-27. Review status: criteria provided, single submitter. Criteria: ICSL Variant Classification Criteria 13 December 2019. Collection method: clinical testing. Allele origin: germline.
Comment: This variant was observed as part of a predisposition screen in an ostensibly healthy population. A literature search was performed for the gene, cDNA change, and amino acid change (where applicable). No publications were found based on this search. Allele frequency data from public databases allowed determination this variant is unlikely to cause disease. Therefore, this variant is classified as likely benign.

NM_024740.2(ALG9):c.*1220C>T

Gene: ALG9 (ALG9 alpha-1,2-mannosyltransferase; minus strand). Cytogenetic location: 11q23.1.
Variant type: single nucleotide variant.
Coding change: c.*1220C>T on transcript NM_024740.2 (MANE Select); 1220 bases downstream of the stop codon, C replaced by T.
Molecular consequence: 3 prime UTR variant. On other transcripts: non-coding transcript variant (1).
Genome position (GRCh38, 1-based): chr11:111,785,177, G>A on the plus strand (C>T on the coding strand, the complement: ALG9 is on the minus strand). VCF-style: chr11-111785177-G-A. GRCh37 (hg19) VCF-style: chr11-111655901-G-A.
Other names: c.*1220C>T (NM_001077690.1, NM_001077691.2, NM_001077692.2 and 9 more transcripts); c.*880C>T (NM_001352415.1, NM_001352416.1, NM_001352417.1 and 1 more transcripts); c.*1349C>T (NM_001352420.2); c.*1343C>T (NM_001352421.2).
Identifiers: ClinVar variation 302411 (VCV000302411.5), dbSNP rs114406340, ClinGen allele CA10637172.
Genomic context (GRCh38, chr11:111,785,177, plus strand): 5'-AGAGTAAGGAAACCTGGGTTCCAGTCCCAGCTCTATTACTTACTGGCTGTGTGACCTTAG[G>A]CAACTAACTATCTTTACCTCCCCTCACTCCCCACCCGCAGCCTGTTTCCTTATCTGTAAA-3'